The following is an entry in ClinVar:

NM_001365951.3(KIF1B):c.2609G>C (p.Ser870Thr)

Gene: KIF1B (kinesin family member 1B; plus strand). Cytogenetic location: 1p36.22.
Variant type: single nucleotide variant.
Coding change: c.2609G>C on transcript NM_001365951.3 (MANE Select); coding-DNA position 2609, G replaced by C.
Protein change: p.Ser870Thr; replaces serine 870 with threonine.
Molecular consequence: missense variant.
Genome position (GRCh38, 1-based): chr1:10,324,829, G>C. VCF-style: chr1-10324829-G-C. GRCh37 (hg19) VCF-style: chr1-10384887-G-C.
Other names: c.2609G>C, p.Ser870Thr (NM_001365952.1); c.2471G>C, p.Ser824Thr (NM_015074.3); short protein forms S870T, S824T.
Identifiers: ClinVar variation 3864114 (VCV003864114.1).
Genomic context (GRCh38, chr1:10,324,829, plus strand): 5'-ATTTGATGCGAGAGATGTATGATAGGGCAGGGGAGATGGCCTCCAGTGCCCAAGACGAAA[G>C]CGAAACCACTGTGACTGGCAGCGATCCCTTCTATGATCGGTTCCACTGGTTCAAACTTGT-3'
Protein context (NP_001352880.1, residues 860-880): GEMASSAQDE[Ser870Thr]ETTVTGSDPF

ClinVar aggregate classification (germline): Uncertain significance (1 of 4 stars; one submission).

Submission:

Ambry Genetics
Classification: Uncertain significance. Last evaluated: 2025-03-01. Review status: criteria provided, single submitter. Criteria: Ambry Variant Classification Scheme 2023. Collection method: clinical testing. Allele origin: germline.
Comment: The p.S824T variant (also known as c.2471G>C), located in coding exon 23 of the KIF1B gene, results from a G to C substitution at nucleotide position 2471. The serine at codon 824 is replaced by threonine, an amino acid with similar properties. This amino acid position is conserved. In addition, this alteration is predicted to be tolerated by in silico analysis. Based on the available evidence, the clinical significance of this variant remains unclear.